The following is an entry in ClinVar:

NM_001290043.2(TAP2):c.887C>T (p.Ser296Phe)

Gene: TAP2 (transporter 2, ATP binding cassette subfamily B member; minus strand). Cytogenetic location: 6p21.32.
Variant type: single nucleotide variant.
Coding change: c.887C>T on transcript NM_001290043.2 (MANE Select); coding-DNA position 887, C replaced by T.
Protein change: p.Ser296Phe; replaces serine 296 with phenylalanine.
Molecular consequence: missense variant.
Genome position (GRCh38, 1-based): chr6:32,835,212, G>A on the plus strand (C>T on the coding strand, the complement: TAP2 is on the minus strand). VCF-style: chr6-32835212-G-A. GRCh37 (hg19) VCF-style: chr6-32802989-G-A.
Other names: c.887C>T, p.Ser296Phe (NM_018833.3, NM_000544.3); short protein forms S296F.
Identifiers: ClinVar variation 839788 (VCV000839788.9), dbSNP rs1769335343, ClinGen allele CA363584185.

ClinVar aggregate classification (germline): Uncertain significance (1 of 4 stars; one submission).

Conditions:
MHC class I deficiency. Identifiers: Orphanet 34592, MedGen C6024714, MONDO:0011476.

Submission:

Labcorp Genetics (formerly Invitae), Labcorp
Classification: Uncertain significance for MHC class I deficiency 1. Last evaluated: 2019-01-08. Review status: criteria provided, single submitter. Criteria: Invitae Variant Classification Sherloc (09022015). Collection method: clinical testing. Allele origin: germline.
Comment: This sequence change replaces serine with phenylalanine at codon 296 of the TAP2 protein (p.Ser296Phe). The serine residue is highly conserved and there is a large physicochemical difference between serine and phenylalanine. In summary, the available evidence is currently insufficient to determine the role of this variant in disease. Therefore, it has been classified as a Variant of Uncertain Significance. Algorithms developed to predict the effect of missense changes on protein structure and function are either unavailable or do not agree on the potential impact of this missense change (SIFT: "Tolerated"; PolyPhen-2: "Not Available"; Align-GVGD: "Class C0"). This variant has not been reported in the literature in individuals with TAP2-related conditions. This variant is not present in population databases (ExAC no frequency).